The following is an entry in ClinVar:

NM_001330078.2(NRXN1):c.3364+121A>T

Gene: NRXN1 (neurexin 1; minus strand). Cytogenetic location: 2p16.3.
Variant type: single nucleotide variant.
Coding change: c.3364+121A>T on transcript NM_001330078.2 (MANE Select); 121 bases into the intron after coding-DNA position 3364, A replaced by T.
Molecular consequence: intron variant.
Genome position (GRCh38, 1-based): chr2:50,465,321, T>A on the plus strand (A>T on the coding strand, the complement: NRXN1 is on the minus strand). VCF-style: chr2-50465321-T-A. GRCh37 (hg19) VCF-style: chr2-50692459-T-A.
Other names: c.3253+121A>T (NM_001330096.2, NM_001330087.2); c.3298+121A>T (NM_001330083.2, NM_001330084.2); c.3283+121A>T (NM_001330088.2); c.3361+121A>T (NM_001330093.2); c.3352+121A>T (NM_001330094.2); c.3313+121A>T (NM_001330095.2); c.3340+121A>T (NM_001330082.2, NM_001330077.2); c.3337+121A>T (NM_001330085.2); and 2 more.
Identifiers: ClinVar variation 667711 (VCV000667711.2), dbSNP rs12713101, ClinGen allele CA11012631.
Genomic context (GRCh38, chr2:50,465,321, plus strand): 5'-TTAGCCACTTTAACAATTAGTATTTCAAAACTGTCCTTTCCGTAGAAACAACTGCTTCTA[T>A]GGGTTATGACAGTTCGACTGACTCAGAGTTAATATAAGGACTTTCAGTGTTAGACTTTAG-3'

ClinVar aggregate classification (germline): Benign. Review status: criteria provided, multiple submitters, no conflicts (2 of 4 stars). 2 submissions from 2 submitters: Benign (2). Last evaluated 2018-06-14.

Allele frequency attached by ClinVar (database versions not stated): 1000 Genomes Project 30x 0.23470; 1000 Genomes Project 0.24062; TOPMed 0.31622; gnomAD 0.33742 and 0.33895; gnomAD exomes 0.44312.
gnomAD v4.1: 375,802 of 884,454 alleles (42%); highest among the groups gnomAD compares: Middle Eastern, 56%; 86,684 homozygotes.

Submissions (2):

GeneDx
Classification: Benign. Last evaluated: 2018-06-14. Review status: criteria provided, single submitter. Criteria: GeneDx Variant Classification (06012015). Collection method: clinical testing. Allele origin: germline. Affected: yes.
Comment: This variant is considered likely benign or benign based on one or more of the following criteria: it is a conservative change, it occurs at a poorly conserved position in the protein, it is predicted to be benign by multiple in silico algorithms, and/or has population frequency not consistent with disease.

Breakthrough Genomics
Classification: Benign. Review status: criteria provided, single submitter. Criteria: ACMG Guidelines, 2015. Collection method: not provided. Allele origin: germline. Inheritance: Autosomal recessive inheritance. Affected: yes.